The following is an entry in ClinVar:

NC_000008.10:g.(?_30915958)_(31030624_?)dup

Genes: WRN (WRN RecQ like helicase; plus strand), LOC126860342 (MED14-independent group 3 enhancer GRCh37_chr8:31029565-31030764; plus strand). Cytogenetic location: 8p12.
Variant type: Duplication.
Identifiers: ClinVar variation 528220 (VCV000528220.1).

ClinVar aggregate classification (germline): Uncertain significance (1 of 4 stars; one submission).

Conditions:
Werner syndrome (WRN). Identifiers: Orphanet 902, MedGen C0043119, MONDO:0010196, OMIM 277700.

Submission:

Labcorp Genetics (formerly Invitae), Labcorp
Classification: Uncertain significance for Werner syndrome. Last evaluated: 2017-09-12. Review status: criteria provided, single submitter. Criteria: Invitae Variant Classification Sherloc (09022015). Collection method: clinical testing. Allele origin: germline.
Comment: A gross duplication of the genomic region encompassing the full coding sequence of the WRN gene has been identified. The boundaries of this event are unknown as the duplication extends beyond the assayed region for this gene and therefore may encompass additional genes. As the precise location of this duplication is unknown, it may be in tandem or it may be located elsewhere in the genome. Duplication of WRN has not been reported in the literature in individual affected with WRN-related disease. The effect of this variant on protein function has not been evaluated by experimental studies. In summary, the available evidence is currently insufficient to determine the role of this variant in disease. Therefore, it has been classified as a Variant of Uncertain Significance.